The following is an entry in ClinVar:

ClinVar aggregate classification (germline): Uncertain significance. Review status: criteria provided, multiple submitters, no conflicts (2 of 4 stars). 2 submissions from 2 submitters: Uncertain significance (2). Last evaluated 2024-07-22.

Conditions:
Inborn genetic diseases. Identifiers: MedGen C0950123, MeSH D030342.

Submissions (2):

Ambry Genetics
Classification: Uncertain significance for Inborn genetic diseases. Last evaluated: 2024-07-22. Review status: criteria provided, single submitter. Criteria: Ambry Variant Classification Scheme 2023. Collection method: clinical testing. Allele origin: germline.

GeneDx
Classification: Uncertain significance. Last evaluated: 2023-06-02. Review status: criteria provided, single submitter. Criteria: GeneDx Variant Classification Process June 2021. Collection method: clinical testing. Allele origin: germline. Affected: yes.
Comment: Not observed at significant frequency in large population cohorts (gnomAD); In silico analysis supports that this missense variant has a deleterious effect on protein structure/function; In silico analysis suggests this variant may impact gene splicing. In the absence of RNA/functional studies, the actual effect of this sequence change is unknown.; Has not been previously published as pathogenic or benign to our knowledge

NM_001792.5(CDH2):c.1486T>G (p.Tyr496Asp)

Gene: CDH2 (cadherin 2; minus strand). Cytogenetic location: 18q12.1.
Variant type: single nucleotide variant.
Coding change: c.1486T>G on transcript NM_001792.5 (MANE Select); coding-DNA position 1486, T replaced by G.
Protein change: p.Tyr496Asp; replaces tyrosine 496 with aspartic acid.
Molecular consequence: missense variant.
Genome position (GRCh38, 1-based): chr18:27,990,209, A>C on the plus strand (T>G on the coding strand, the complement: CDH2 is on the minus strand). VCF-style: chr18-27990209-A-C. GRCh37 (hg19) VCF-style: chr18-25570173-A-C.
Other names: c.1393T>G, p.Tyr465Asp (NM_001308176.2); short protein forms Y465D, Y496D.
Identifiers: ClinVar variation 3362228 (VCV003362228.2).